The following is an entry in ClinVar:

ClinVar aggregate classification (germline): Likely pathogenic (1 of 4 stars; one submission).

Conditions:
Noonan syndrome 10 (NS10). Identifiers: Orphanet 648, MedGen C4225280, MONDO:0014693, OMIM 616564.

Submission:

Genomics, Clalit Research Institute, Clalit Health Care
Classification: Likely pathogenic for Noonan syndrome 10. Last evaluated: 2024-12-23. Review status: criteria provided, single submitter. Criteria: ACMG Guidelines, 2015. Collection method: clinical testing. Allele origin: germline. Inheritance: Autosomal dominant inheritance. Affected: yes. Observed: 1 heterozygote.
Comment: Variant type: Null variant (frameshift indel) in a gene where LOF is a known mechanism of disease. Predicted to undergo NMD. Frequency: The variant is absent from the gnomAD reference population dataset.

NM_006767.4(LZTR1):c.1009del (p.Val337fs)

Gene: LZTR1 (leucine zipper like post translational regulator 1; plus strand). Cytogenetic location: 22q11.21.
Variant type: Deletion.
Coding change: c.1009del on transcript NM_006767.4 (MANE Select); coding-DNA position 1009, one base deleted (G; older notation c.1009delG).
Protein change: p.Val337fs; shifts the reading frame from valine 337.
Molecular consequence: frameshift variant.
Genome position (GRCh38, 1-based): chr22:20,992,229, G deleted. VCF-style (leftmost placement, unchanged base first): chr22-20992228-AG-A. GRCh37 (hg19) VCF-style: chr22-21346517-AG-A.
Other names: short protein forms V337fs.
Identifiers: ClinVar variation 3764755 (VCV003764755.2).